The following is an entry in ClinVar:

ClinVar aggregate classification (germline): Uncertain significance (1 of 4 stars; one submission).

Conditions:
Inborn genetic diseases. Identifiers: MedGen C0950123, MeSH D030342.

Submission:

Ambry Genetics
Classification: Uncertain significance for Inborn genetic diseases. Last evaluated: 2026-01-19. Review status: criteria provided, single submitter. Criteria: Ambry Variant Classification Scheme 2023. Collection method: clinical testing. Allele origin: germline.
Comment: The p.Y149C variant (also known as c.446A>G), located in coding exon 4 of the CEP57 gene, results from an A to G substitution at nucleotide position 446. The tyrosine at codon 149 is replaced by cysteine, an amino acid with highly dissimilar properties. This amino acid position is conserved. In addition, the in silico prediction for this alteration is inconclusive. Based on the available evidence, the clinical significance of this variant remains unclear.

NM_014679.5(CEP57):c.446A>G (p.Tyr149Cys)

Gene: CEP57 (centrosomal protein 57; plus strand). Cytogenetic location: 11q21.
Variant type: single nucleotide variant.
Coding change: c.446A>G on transcript NM_014679.5 (MANE Select); coding-DNA position 446, A replaced by G.
Protein change: p.Tyr149Cys; replaces tyrosine 149 with cysteine.
Molecular consequence: missense variant.
Genome position (GRCh38, 1-based): chr11:95,813,531, A>G. VCF-style: chr11-95813531-A-G. GRCh37 (hg19) VCF-style: chr11-95546695-A-G.
Other names: c.419A>G, p.Tyr140Cys (NM_001243776.2); c.446A>G, p.Tyr149Cys (NM_001243777.2, NM_001440871.1, NM_001440872.1 and 4 more transcripts); c.365A>G, p.Tyr122Cys (NM_001363604.2, NM_001440869.1, NM_001440870.1 and 3 more transcripts); c.266A>G, p.Tyr89Cys (NM_001440873.1, NM_001440881.1); c.185A>G, p.Tyr62Cys (NM_001440880.1); short protein forms Y122C, Y149C, Y140C, Y89C, Y62C.
Identifiers: ClinVar variation 4845100 (VCV004845100.1).